The following is an entry in ClinVar:

NM_000228.3(LAMB3):c.1705C>T (p.Arg569Ter)

Gene: LAMB3 (laminin subunit beta 3; minus strand). Cytogenetic location: 1q32.2.
Variant type: single nucleotide variant.
Coding change: c.1705C>T on transcript NM_000228.3 (MANE Select); coding-DNA position 1705, C replaced by T.
Protein change: p.Arg569Ter; replaces arginine 569 with a stop codon.
Molecular consequence: nonsense.
Genome position (GRCh38, 1-based): chr1:209,625,919, G>A on the plus strand (C>T on the coding strand, the complement: LAMB3 is on the minus strand). VCF-style: chr1-209625919-G-A. GRCh37 (hg19) VCF-style: chr1-209799264-G-A.
Other names: c.1705C>T, p.Arg569Ter (NM_001017402.2, NM_001127641.1); short protein forms R569*.
Identifiers: ClinVar variation 188764 (VCV000188764.23), dbSNP rs201551805, ClinGen allele CA273928.

ClinVar aggregate classification (germline): Pathogenic. Review status: criteria provided, multiple submitters, no conflicts (2 of 4 stars). 9 submissions from 9 submitters: Pathogenic (8). 1 of the submissions does not count toward it. Last evaluated 2026-01-25.

Conditions:
LAMB3-related disorder. Also called: LAMB3-related condition.
Junctional epidermolysis bullosa gravis of Herlitz. Also called: JEB-HERLITZ TYPE; Epidermolysis Bullosa Letalis; Herlitz-type junctional epidermolysis bullosa; EPIDERMOLYSIS BULLOSA, JUNCTIONAL 1B, SEVERE; EPIDERMOLYSIS BULLOSA JUNCTIONALIS, HERLITZ TYPE; EPIDERMOLYSIS BULLOSA, JUNCTIONAL, HERLITZ-PEARSON TYPE. Identifiers: Orphanet 79404, MedGen C0079683, MONDO:0009182, OMIM 226700.
Junctional epidermolysis bullosa, non-Herlitz type. Also called: Adult junctional epidermolysis bullosa; COL17A1-Related Junctional Epidermolysis Bullosa; EPIDERMOLYSIS BULLOSA, JUNCTIONAL 1A, INTERMEDIATE; Epidermolysis bullosa, junctional, non-herlitz type, somatic mosaic revertant; EPIDERMOLYSIS BULLOSA JUNCTIONALIS, DISENTIS TYPE; EPIDERMOLYSIS BULLOSA JUNCTIONALIS, NON-HERLITZ TYPE. Identifiers: Orphanet 251393, Orphanet 79402, Orphanet 79405, Orphanet 89840, MedGen C0268374, MONDO:0009180, OMIM 226650.
Amelogenesis imperfecta type 1A. Also called: Amelogenesis imperfecta local hypoplastic; Amelogenesis imperfecta, hypoplastic type; Amelogenesis imperfecta, type IA; AMELOGENESIS IMPERFECTA, HYPOPLASTIC TYPE IA. Identifiers: Orphanet 88661, MedGen C4011403, MONDO:0007094, OMIM 104530.

Allele frequency attached by ClinVar (database versions not stated): TOPMed 0.00006; ExAC 0.00008; ESP Exome Variant Server 0.00015; gnomAD exomes 0.00005.
gnomAD v4.1: 80 of 1,613,840 alleles (0.005%); highest among the groups gnomAD compares: South Asian, 0.0066%; no homozygotes.

Submissions (9):

Labcorp Genetics (formerly Invitae), Labcorp
Classification: Pathogenic. Last evaluated: 2026-01-25. Review status: criteria provided, single submitter. Criteria: Invitae Variant Classification Sherloc (09022015). Collection method: clinical testing. Allele origin: germline.
Comment: This sequence change creates a premature translational stop signal (p.Arg569*) in the LAMB3 gene. It is expected to result in an absent or disrupted protein product. Loss-of-function variants in LAMB3 are known to be pathogenic (PMID: 11023379, 16473856). This variant is present in population databases (rs201551805, gnomAD 0.01%). This premature translational stop signal has been observed in individuals with junctional epidermolysis bullosa (PMID: 8824879, 11023379). ClinVar contains an entry for this variant (Variation ID: 188764). For these reasons, this variant has been classified as Pathogenic.

Fulgent Genetics
Classification: Pathogenic for Amelogenesis imperfecta type 1A; Junctional epidermolysis bullosa, non-Herlitz type; Junctional epidermolysis bullosa gravis of Herlitz. Last evaluated: 2024-03-28. Review status: criteria provided, single submitter. Criteria: ACMG Guidelines, 2015. Collection method: clinical testing. Allele origin: germline.

Blueprint Genetics
Classification: Pathogenic for LAMB3-related disorders. Last evaluated: 2024-01-22. Review status: criteria provided, single submitter. Criteria: ACMG Guidelines, 2015. Collection method: clinical testing. Allele origin: germline. Affected: yes. Observed: 5 variant alleles.

GeneDx
Classification: Pathogenic. Last evaluated: 2023-08-21. Review status: criteria provided, single submitter. Criteria: GeneDx Variant Classification Process June 2021. Collection method: clinical testing. Allele origin: germline. Affected: yes.
Comment: Nonsense variant predicted to result in protein truncation or nonsense mediated decay in a gene for which loss-of-function is a known mechanism of disease; This variant is associated with the following publications: (PMID: 25525159, 8824879, 29334134, 28087116, 15725250, 11023379, 12813757, 9160387, 33921969, 16473856, 32484238, 36287101)

Revvity Omics, Revvity
Classification: Pathogenic. Last evaluated: 2022-09-09. Review status: criteria provided, single submitter. Criteria: ACMG Guidelines, 2015. Collection method: clinical testing. Allele origin: germline.

3billion
Classification: Pathogenic for Junctional epidermolysis bullosa, non-Herlitz type. Last evaluated: 2022-01-03. Review status: criteria provided, single submitter. Criteria: ACMG Guidelines, 2015. Collection method: clinical testing. Allele origin: germline. Affected: yes. Observed: 1 heterozygote.
Comment: The variant has been reported at least twice as pathogenic/likely pathogenic with clinical assertions and evidence for the classification (ClinVar ID: VCV000188764, PMID:8824879). Stop-gained (nonsense): predicted to result in a loss or disruption of normal protein function through nonsense-mediated decay (NMD) or protein truncation. Multiple pathogenic variants are reported downstream of the variant (PVS1_VS). It is observed at an extremely low frequency in the gnomAD v2.1.1 dataset (total allele frequency: 0.000052, PM2_M). Therefore, this variant is classified as pathogenic according to the recommendation of ACMG/AMP guideline.

Baylor Genetics
Classification: Pathogenic for Junctional epidermolysis bullosa gravis of Herlitz. Last evaluated: 2020-09-11. Review status: criteria provided, single submitter. Criteria: ACMG Guidelines, 2015. Collection method: clinical testing. Allele origin: unknown. Affected: yes.
Comment: This variant was determined to be pathogenic according to ACMG Guidelines, 2015 [PMID:25741868].

Women's Health and Genetics/Laboratory Corporation of America, LabCorp
Classification: Pathogenic for Junctional epidermolysis bullosa gravis of Herlitz. Last evaluated: 2019-09-30. Review status: criteria provided, single submitter. Criteria: LabCorp Variant Classification Summary - May 2015. Collection method: clinical testing. Allele origin: germline.
Comment: Variant summary: LAMB3 c.1705C>T (p.Arg569X) results in a premature termination codon, predicted to cause a truncation of the encoded protein or absence of the protein due to nonsense mediated decay, which are commonly known mechanisms for disease. The variant allele was found at a frequency of 5.2e-05 in 249462 control chromosomes (gnomAD). This frequency is not significantly higher than expected for a pathogenic variant in LAMB3 causing Junctional Epidermolysis Bullosa (5.2e-05 vs 0.00093). c.1705C>T has been reported in the literature in individuals affected with Junctional Epidermolysis Bullosa (Kivirikko_1996, Fassihi_2004, Lucky_2018). Yenamandra_2017 reported the variant in homozygous state in a patient with Generalized Severe JEB and a poor prognosis, with strongly reduced staining for laminin-332 noted following immunofluorescence antigen mapping. These data indicate that the variant is very likely to be associated with disease. Two ClinVar submitters (evaluation after 2014) cite the variant as pathogenic. Based on the evidence outlined above, the variant was classified as pathogenic.

Counsyl
Classification: Likely pathogenic for Junctional epidermolysis bullosa gravis of Herlitz. Last evaluated: 2014-04-23. Review status: no assertion criteria provided. Collection method: literature only. Allele origin: unknown. Inheritance: Autosomal recessive inheritance. Not counted in ClinVar's aggregate classification.

Literature cited by the submitters: PubMed 11023379 (cited by Labcorp Genetics (formerly Invitae), Labcorp and Counsyl); PubMed 16473856 (cited by Labcorp Genetics (formerly Invitae), Labcorp); PubMed 8824879 (cited by 4 submitters); PubMed 15725250 (cited by Women's Health and Genetics/Laboratory Corporation of America, LabCorp and Counsyl); PubMed 29334134 (cited by Women's Health and Genetics/Laboratory Corporation of America, LabCorp); PubMed 12813757 (cited by Women's Health and Genetics/Laboratory Corporation of America, LabCorp and Counsyl); PubMed 28087116 (cited by Women's Health and Genetics/Laboratory Corporation of America, LabCorp).